The following is an entry in ClinVar:

NM_000780.4(CYP7A1):c.296A>T (p.Lys99Ile)

Gene: CYP7A1 (cytochrome P450 family 7 subfamily A member 1; minus strand). Cytogenetic location: 8q12.1.
Variant type: single nucleotide variant.
Coding change: c.296A>T on transcript NM_000780.4 (MANE Select); coding-DNA position 296, A replaced by T.
Protein change: p.Lys99Ile; replaces lysine 99 with isoleucine.
Molecular consequence: missense variant.
Genome position (GRCh38, 1-based): chr8:58,498,254, T>A on the plus strand (A>T on the coding strand, the complement: CYP7A1 is on the minus strand). VCF-style: chr8-58498254-T-A. GRCh37 (hg19) VCF-style: chr8-59410813-T-A.
Other names: short protein forms K99I.
Identifiers: ClinVar variation 4739881 (VCV004739881.1).

ClinVar aggregate classification (germline): Uncertain significance (1 of 4 stars; one submission).

gnomAD v4.1: 7 of 1,614,106 alleles (0.00043%); highest among the groups gnomAD compares: South Asian, 0.0044%; no homozygotes.

Submission:

Labcorp Genetics (formerly Invitae), Labcorp
Classification: Uncertain significance. Last evaluated: 2025-12-04. Review status: criteria provided, single submitter. Criteria: Invitae Variant Classification Sherloc (09022015). Collection method: clinical testing. Allele origin: germline.
Comment: This sequence change replaces lysine, which is basic and polar, with isoleucine, which is neutral and non-polar, at codon 99 of the CYP7A1 protein (p.Lys99Ile). This variant is present in population databases (rs757436505, gnomAD 0.01%). This variant has not been reported in the literature in individuals affected with CYP7A1-related conditions. Invitae Evidence Modeling of protein sequence and biophysical properties (such as structural, functional, and spatial information, amino acid conservation, physicochemical variation, residue mobility, and thermodynamic stability) indicates that this missense variant is not expected to disrupt CYP7A1 protein function with a negative predictive value of 80%. In summary, the available evidence is currently insufficient to determine the role of this variant in disease. Therefore, it has been classified as a Variant of Uncertain Significance.